The following is an entry in ClinVar:

NM_001429.4(EP300):c.2864C>A (p.Pro955Gln)

Genes: EP300 (EP300 lysine acetyltransferase; plus strand), LOC126863158 (BRD4-independent group 4 enhancer GRCh37_chr22:41547383-41548582; plus strand). Cytogenetic location: 22q13.2.
Variant type: single nucleotide variant.
Coding change: c.2864C>A on transcript NM_001429.4 (MANE Select); coding-DNA position 2864, C replaced by A.
Protein change: p.Pro955Gln; replaces proline 955 with glutamine.
Molecular consequence: missense variant.
Genome position (GRCh38, 1-based): chr22:41,151,879, C>A. VCF-style: chr22-41151879-C-A. GRCh37 (hg19) VCF-style: chr22-41547883-C-A.
Other names: c.2786C>A, p.Pro929Gln (NM_001362843.2); short protein forms P955Q, P929Q.
Identifiers: ClinVar variation 2880275 (VCV002880275.3), dbSNP rs2517800403, ClinGen allele CA411692782.

ClinVar aggregate classification (germline): Uncertain significance (1 of 4 stars; one submission).

Conditions:
Rubinstein-Taybi syndrome due to EP300 haploinsufficiency. Also called: RUBINSTEIN-TAYBI SYNDROME 2; EP300-Related Rubinstein-Taybi Syndrome. Identifiers: Orphanet 353284, Orphanet 783, MedGen C3150941, MONDO:0013364, OMIM 613684.

Submission:

Labcorp Genetics (formerly Invitae), Labcorp
Classification: Uncertain significance for Rubinstein-Taybi syndrome due to EP300 haploinsufficiency. Last evaluated: 2024-03-23. Review status: criteria provided, single submitter. Criteria: Invitae Variant Classification Sherloc (09022015). Collection method: clinical testing. Allele origin: germline.
Comment: This sequence change replaces proline, which is neutral and non-polar, with glutamine, which is neutral and polar, at codon 955 of the EP300 protein (p.Pro955Gln). This variant is not present in population databases (gnomAD no frequency). This variant has not been reported in the literature in individuals affected with EP300-related conditions. Advanced modeling of protein sequence and biophysical properties (such as structural, functional, and spatial information, amino acid conservation, physicochemical variation, residue mobility, and thermodynamic stability) performed at Invitae indicates that this missense variant is not expected to disrupt EP300 protein function with a negative predictive value of 80%. In summary, the available evidence is currently insufficient to determine the role of this variant in disease. Therefore, it has been classified as a Variant of Uncertain Significance.